The following is an entry in ClinVar:

NM_004208.4(AIFM1):c.860T>C (p.Ile287Thr)

Genes: AIFM1 (apoptosis inducing factor mitochondria associated 1; minus strand), RAB33A (RAB33A, member RAS oncogene family; plus strand). Cytogenetic location: Xq26.1.
Variant type: single nucleotide variant.
Coding change: c.860T>C on transcript NM_004208.4 (MANE Select); coding-DNA position 860, T replaced by C.
Protein change: p.Ile287Thr; replaces isoleucine 287 with threonine.
Molecular consequence: missense variant. On other transcripts: non-coding transcript variant (1).
Genome position (GRCh38, 1-based): chrX:130,138,700, A>G on the plus strand (T>C on the coding strand, the complement: AIFM1 is on the minus strand). VCF-style: chrX-130138700-A-G. GRCh37 (hg19) VCF-style: chrX-129272675-A-G.
Other names: c.860T>C, p.Ile287Thr (NM_001130847.4); c.848T>C, p.Ile283Thr (NM_145812.3); short protein forms I287T, I283T.
Identifiers: ClinVar variation 162476 (VCV000162476.2), dbSNP rs724160018, ClinGen allele CA175060.

ClinVar aggregate classification (germline): Likely pathogenic (0 of 4 stars; one submission).

Conditions:
Deafness, X-linked 5 (DFNX5). Also called: DEAFNESS, X-LINKED 5, WITH PERIPHERAL NEUROPATHY; AUDITORY NEUROPATHY, X-LINKED, 1, WITH PERIPHERAL SENSORY NEUROPATHY. Identifiers: Orphanet 139583, MedGen C1845095, OMIM 300614.

Submission:

Deafness Gene Diagnosis, Xijing Hospital
Classification: Likely pathogenic for Deafness, X-linked 5. Review status: no assertion criteria provided. Collection method: clinical testing. Allele origin: unknown. Inheritance: Sporadic. Affected: yes. Observed: 1 variant allele, 1 homozygote.
Comment: missense mutation in conserved position, not detected in normal control (118 people), and Mutationtaster predicted as Disease Causing